The following is an entry in ClinVar:

NM_001282531.3(ADNP):c.7C>T (p.Gln3Ter)

Gene: ADNP (activity dependent neuroprotector homeobox; minus strand). Cytogenetic location: 20q13.13.
Variant type: single nucleotide variant.
Coding change: c.7C>T on transcript NM_001282531.3 (MANE Select); coding-DNA position 7, C replaced by T.
Protein change: p.Gln3Ter; replaces glutamine 3 with a stop codon.
Molecular consequence: nonsense.
Genome position (GRCh38, 1-based): chr20:50,903,990, G>A on the plus strand (C>T on the coding strand, the complement: ADNP is on the minus strand). VCF-style: chr20-50903990-G-A. GRCh37 (hg19) VCF-style: chr20-49520527-G-A.
Other names: c.7C>T, p.Gln3Ter (NM_001282532.2, NM_001347511.2, NM_015339.5 and 1 more transcripts); short protein forms Q3*.
Identifiers: ClinVar variation 2837950 (VCV002837950.3), dbSNP rs2515621745, ClinGen allele CA408982648.
Genomic context (GRCh38, chr20:50,903,990, plus strand): 5'-GTATTTTTTTCACAGTTTTCCGGGCTTTTCTTAAACTGCCAAGATTGTTGACAGGAAGTT[G>A]GAACATAGTTTCTATTGGAAAAAAAAATTTAAGTCAAAGTCAAAACACGTACAACTTGTA-3'

ClinVar aggregate classification (germline): Pathogenic (1 of 4 stars; one submission).

Submission:

Labcorp Genetics (formerly Invitae), Labcorp
Classification: Pathogenic. Last evaluated: 2023-04-20. Review status: criteria provided, single submitter. Criteria: Invitae Variant Classification Sherloc (09022015). Collection method: clinical testing. Allele origin: germline.
Comment: This variant has not been reported in the literature in individuals affected with ADNP-related conditions. This variant is not present in population databases (gnomAD no frequency). This sequence change creates a premature translational stop signal (p.Gln3*) in the ADNP gene. It is expected to result in an absent or disrupted protein product. Loss-of-function variants in ADNP are known to be pathogenic (PMID: 29724491, 30106381). For these reasons, this variant has been classified as Pathogenic.

Literature cited by the submitters: PubMed 29724491; PubMed 30106381.